The following is an entry in ClinVar:

NM_001018005.2(TPM1):c.251A>G (p.Asp84Gly)

Gene: TPM1 (tropomyosin 1; plus strand). Cytogenetic location: 15q22.2.
Variant type: single nucleotide variant.
Coding change: c.251A>G on transcript NM_001018005.2 (MANE Select); coding-DNA position 251, A replaced by G.
Protein change: p.Asp84Gly; replaces aspartic acid 84 with glycine.
Molecular consequence: missense variant. On other transcripts: non-coding transcript variant (17).
Genome position (GRCh38, 1-based): chr15:63,056,995, A>G. VCF-style: chr15-63056995-A-G. GRCh37 (hg19) VCF-style: chr15-63349194-A-G.
Other names: c.251A>G, p.Asp84Gly (NM_000366.6, NM_001018004.2, NM_001018006.2 and 20 more transcripts); c.143A>G, p.Asp48Gly (NM_001018008.2, NM_001301289.2, NM_001330344.2 and 9 more transcripts); c.377A>G, p.Asp126Gly (NM_001365778.1, NM_001407322.1, NM_001407323.1 and 1 more transcripts); c.251A>G (NM_001018005.1); short protein forms D126G, D48G, D84G.
Identifiers: ClinVar variation 3370352 (VCV003370352.2).
Genomic context (GRCh38, chr15:63,056,995, plus strand): 5'-CCACCCTCACTTTCTCCCCAACTCTGAAATGCTTTTCACTCTCTACCTAGGCTGAAGCCG[A>G]CGTAGCTTCTCTGAACAGACGCATCCAGCTGGTTGAGGAAGAGTTGGATCGTGCCCAGGA-3'
Protein context (NP_001018005.1, residues 74-94): AEKKATDAEA[Asp84Gly]VASLNRRIQL

ClinVar aggregate classification (germline): Uncertain significance. Review status: criteria provided, multiple submitters, no conflicts (2 of 4 stars). 2 submissions from 2 submitters: Uncertain significance (2). Last evaluated 2024-10-09.

Conditions:
Dilated cardiomyopathy 1Y (CMD1Y). Identifiers: Orphanet 154, Orphanet 54260, MedGen C2678476, MONDO:0012744, OMIM 611878.

Submissions (2):

MVZ Medizinische Genetik Mainz
Classification: Uncertain significance for Dilated cardiomyopathy 1Y. Last evaluated: 2024-10-09. Review status: criteria provided, single submitter. Criteria: UK Practice Guidelines For Variant Classification V4 01 2020. Collection method: clinical testing. Allele origin: germline. Inheritance: Autosomal dominant inheritance. Affected: yes. Observed: 1 variant allele.
Comment: ACMG Criteria: PS4_SUP,PM2_SUP,PM5_SUP,PP3

GeneDx
Classification: Uncertain significance. Last evaluated: 2024-05-09. Review status: criteria provided, single submitter. Criteria: GeneDx Variant Classification Process June 2021. Collection method: clinical testing. Allele origin: germline. Affected: yes.
Comment: Not observed at significant frequency in large population cohorts (gnomAD); In silico analysis supports that this missense variant has a deleterious effect on protein structure/function; Has not been previously published as pathogenic or benign to our knowledge